The following is an entry in ClinVar:

ClinVar aggregate classification (germline): Uncertain significance (1 of 4 stars; one submission).

Conditions:
Ataxia-telangiectasia-like disorder (ATLD). Identifiers: MedGen C1858391, MONDO:0011457.

Submission:

Labcorp Genetics (formerly Invitae), Labcorp
Classification: Uncertain significance for Ataxia-telangiectasia-like disorder. Last evaluated: 2024-11-04. Review status: criteria provided, single submitter. Criteria: Invitae Variant Classification Sherloc (09022015). Collection method: clinical testing. Allele origin: germline.
Comment: This sequence change replaces threonine, which is neutral and polar, with alanine, which is neutral and non-polar, at codon 12 of the MRE11 protein (p.Thr12Ala). This variant is not present in population databases (gnomAD no frequency). This variant has not been reported in the literature in individuals affected with MRE11-related conditions. ClinVar contains an entry for this variant (Variation ID: 2761204). An algorithm developed to predict the effect of missense changes on protein structure and function (PolyPhen-2) suggests that this variant is likely to be tolerated. In summary, the available evidence is currently insufficient to determine the role of this variant in disease. Therefore, it has been classified as a Variant of Uncertain Significance.

NM_005591.4(MRE11):c.34A>G (p.Thr12Ala)

Gene: MRE11 (MRE11 double strand break repair nuclease; minus strand). Cytogenetic location: 11q21.
Variant type: single nucleotide variant.
Coding change: c.34A>G on transcript NM_005591.4 (MANE Select); coding-DNA position 34, A replaced by G.
Protein change: p.Thr12Ala; replaces threonine 12 with alanine.
Molecular consequence: missense variant.
Genome position (GRCh38, 1-based): chr11:94,490,952, T>C on the plus strand (A>G on the coding strand, the complement: MRE11 is on the minus strand). VCF-style: chr11-94490952-T-C. GRCh37 (hg19) VCF-style: chr11-94224118-T-C.
Other names: c.34A>G, p.Thr12Ala (NM_001330347.2, NM_005590.4); short protein forms T12A.
Identifiers: ClinVar variation 2761204 (VCV002761204.3), dbSNP rs2496653973, ClinGen allele CA382381126.